The following is an entry in ClinVar:

NM_001605.3(AARS1):c.1776T>G (p.Phe592Leu)

Gene: AARS1 (alanyl-tRNA synthetase 1; minus strand). Cytogenetic location: 16q22.1.
Variant type: single nucleotide variant.
Coding change: c.1776T>G on transcript NM_001605.3 (MANE Select); coding-DNA position 1776, T replaced by G.
Protein change: p.Phe592Leu; replaces phenylalanine 592 with leucine.
Molecular consequence: missense variant.
Genome position (GRCh38, 1-based): chr16:70,261,053, A>C on the plus strand (T>G on the coding strand, the complement: AARS1 is on the minus strand). VCF-style: chr16-70261053-A-C. GRCh37 (hg19) VCF-style: chr16-70294956-A-C.
Other names: short protein forms F592L.
Identifiers: ClinVar variation 2901537 (VCV002901537.4), dbSNP rs2507000710, ClinGen allele CA396559147.
Genomic context (GRCh38, chr16:70,261,053, plus strand): 5'-AGAAGATAATTACTAACCAGATCCAATGGGGGCCACAGTAACCCAACTCACCTCATCAAT[A>C]AACAGCCAGACCTGATCCCCCACTTTCAGGTCACCGTAGATGGTTCCAATGTGTAGCACA-3'
Protein context (NP_001596.2, residues 582-602): DLKVGDQVWL[Phe592Leu]IDEPRRRPIM

ClinVar aggregate classification (germline): Uncertain significance. Review status: criteria provided, multiple submitters, no conflicts (2 of 4 stars). 2 submissions from 2 submitters: Uncertain significance (2). Last evaluated 2026-07-01.

Conditions:
Charcot-Marie-Tooth disease type 2. Also called: Charcot-Marie-Tooth type 2. Identifiers: Orphanet 64746, MedGen C0270914, MONDO:0018993.

gnomAD v4.1: 1 of 1,613,244 alleles (0.000062%); highest among the groups gnomAD compares: Non-Finnish European, 0.000085%; no homozygotes.

Submissions (2):

CeGaT Center for Human Genetics Tuebingen
Classification: Uncertain significance. Last evaluated: 2026-07-01. Review status: criteria provided, single submitter. Criteria: CeGaT Center For Human Genetics Tuebingen Variant Classification Criteria Version 2. Collection method: clinical testing. Allele origin: germline. Affected: yes. Observed: 1 variant allele.
Comment: AARS1: PM2, BP4

Labcorp Genetics (formerly Invitae), Labcorp
Classification: Uncertain significance for Charcot-Marie-Tooth disease type 2. Last evaluated: 2023-10-22. Review status: criteria provided, single submitter. Criteria: Invitae Variant Classification Sherloc (09022015). Collection method: clinical testing. Allele origin: germline.
Comment: This sequence change replaces phenylalanine, which is neutral and non-polar, with leucine, which is neutral and non-polar, at codon 592 of the AARS protein (p.Phe592Leu). This variant is not present in population databases (gnomAD no frequency). This variant has not been reported in the literature in individuals affected with AARS-related conditions. Advanced modeling of protein sequence and biophysical properties (such as structural, functional, and spatial information, amino acid conservation, physicochemical variation, residue mobility, and thermodynamic stability) performed at Invitae indicates that this missense variant is not expected to disrupt AARS protein function with a negative predictive value of 95%. In summary, the available evidence is currently insufficient to determine the role of this variant in disease. Therefore, it has been classified as a Variant of Uncertain Significance.